The following is an entry in ClinVar:

ClinVar aggregate classification (germline): Benign (1 of 4 stars; one submission).

Allele frequency attached by ClinVar (database versions not stated): gnomAD 0.00011 and 0.00013; 1000 Genomes Project 30x 0.00062; TOPMed 0.00006; ESP Exome Variant Server 0.00008; ExAC 0.00020; 1000 Genomes Project 0.00040.
gnomAD v4.1: 244 of 1,610,126 alleles (0.015%); highest among the groups gnomAD compares: Middle Eastern, 0.05%; no homozygotes.

Submission:

GeneDx
Classification: Benign. Last evaluated: 2014-04-21. Review status: criteria provided, single submitter. Criteria: GeneDx Variant Classification (06012015). Collection method: clinical testing. Allele origin: germline. Affected: yes.
Comment: This variant is considered likely benign or benign based on one or more of the following criteria: it is a conservative change, it occurs at a poorly conserved position in the protein, it is predicted to be benign by multiple in silico algorithms, and/or has population frequency not consistent with disease.

NM_001953.5(TYMP):c.*10G>A

Genes: SCO2 (synthesis of cytochrome C oxidase 2; minus strand), TYMP (thymidine phosphorylase; minus strand). Cytogenetic location: 22q13.33.
Variant type: single nucleotide variant.
Coding change: c.*10G>A on transcript NM_001953.5 (MANE Select); 10 bases downstream of the stop codon, G replaced by A.
Molecular consequence: 3 prime UTR variant. On other transcripts: intron variant (2).
Genome position (GRCh38, 1-based): chr22:50,525,760, C>T on the plus strand (G>A on the coding strand, the complement: TYMP is on the minus strand). VCF-style: chr22-50525760-C-T. GRCh37 (hg19) VCF-style: chr22-50964189-C-T.
Other names: c.*10G>A (NM_001113755.3, NM_001113756.3, NM_001257988.1 and 1 more transcripts); c.-14+486G>A (NM_001169109.2); c.-14+241G>A (NM_001169110.1).
Identifiers: ClinVar variation 137880 (VCV000137880.7), dbSNP rs369012029, ClinGen allele CA291602.
Genomic context (GRCh38, chr22:50,525,760, plus strand): 5'-CCCCGCCTCCGCAGCCCTGGATCCTTCCGCTCCCGCCCAAGCACTGACAAGGTTTCGCGG[C>T]AAAGGAGCTTTATTGCTGCGGCGGCAGAACGAGCTCTGCGAAGGGCGAGGGGGCGGCGAA-3'